The following is an entry in ClinVar:

ClinVar aggregate classification (germline): Uncertain significance. Review status: criteria provided, multiple submitters, no conflicts (2 of 4 stars). 2 submissions from 2 submitters: Uncertain significance (2). Last evaluated 2025-03-13.

Conditions:
Rubinstein-Taybi syndrome due to EP300 haploinsufficiency. Also called: EP300-Related Rubinstein-Taybi Syndrome; RUBINSTEIN-TAYBI SYNDROME 2. Identifiers: Orphanet 353284, Orphanet 783, MedGen C3150941, MONDO:0013364, OMIM 613684.

Allele frequency attached by ClinVar (database versions not stated): ExAC 0.00001; gnomAD exomes 0.00001.
gnomAD v4.1: 3 of 1,584,970 alleles (0.00019%); highest among the groups gnomAD compares: Admixed American, 0.0017%; no homozygotes.

Submissions (2):

Labcorp Genetics (formerly Invitae), Labcorp
Classification: Uncertain significance for Rubinstein-Taybi syndrome due to EP300 haploinsufficiency. Last evaluated: 2025-03-13. Review status: criteria provided, single submitter. Criteria: Invitae Variant Classification Sherloc (09022015). Collection method: clinical testing. Allele origin: germline.
Comment: This sequence change falls in intron 17 of the EP300 gene. It does not directly change the encoded amino acid sequence of the EP300 protein. It affects a nucleotide within the consensus splice site. This variant is present in population databases (rs753036687, gnomAD 0.0009%). This variant has not been reported in the literature in individuals affected with EP300-related conditions. ClinVar contains an entry for this variant (Variation ID: 1948308). Variants that disrupt the consensus splice site are a relatively common cause of aberrant splicing (PMID: 17576681, 9536098). Algorithms developed to predict the effect of sequence changes on RNA splicing suggest that this variant is not likely to affect RNA splicing. In summary, the available evidence is currently insufficient to determine the role of this variant in disease. Therefore, it has been classified as a Variant of Uncertain Significance.

Women's Health and Genetics/Laboratory Corporation of America, LabCorp
Classification: Uncertain significance. Last evaluated: 2023-11-09. Review status: criteria provided, single submitter. Criteria: LabCorp Variant Classification Summary - May 2015. Collection method: clinical testing. Allele origin: germline.
Comment: Variant summary: EP300 c.3261+3A>G alters a conserved nucleotide located close to a canonical splice site and therefore could affect mRNA splicing, leading to a significantly altered protein sequence. Consensus agreement among computation tools predict no significant impact on normal splicing. However, these predictions have yet to be confirmed by functional studies. The variant allele was found at a frequency of 4e-06 in 251412 control chromosomes. The available data on variant occurrences in the general population are insufficient to allow any conclusion about variant significance. To our knowledge, no occurrence of c.3261+3A>G in individuals affected with Rubinstein-Taybi Syndrome 2 and no experimental evidence demonstrating its impact on protein function have been reported. One submitter has cited clinical-significance assessments for this variant to ClinVar after 2014 and has classified the variant as uncertain significance. Based on the evidence outlined above, the variant was classified as uncertain significance.

Literature cited by the submitters: PubMed 17576681 (cited by Labcorp Genetics (formerly Invitae), Labcorp); PubMed 9536098 (cited by Labcorp Genetics (formerly Invitae), Labcorp).

NM_001429.4(EP300):c.3261+3A>G

Gene: EP300 (EP300 lysine acetyltransferase; plus strand). Cytogenetic location: 22q13.2.
Variant type: single nucleotide variant.
Coding change: c.3261+3A>G on transcript NM_001429.4 (MANE Select); 3 bases into the intron after coding-DNA position 3261, A replaced by G.
Molecular consequence: intron variant.
Genome position (GRCh38, 1-based): chr22:41,155,116, A>G. VCF-style: chr22-41155116-A-G. GRCh37 (hg19) VCF-style: chr22-41551120-A-G.
Other names: c.3183+3A>G (NM_001362843.2).
Identifiers: ClinVar variation 1948308 (VCV001948308.6), dbSNP rs753036687, ClinGen allele CA10253075.